The following is an entry in ClinVar:

NM_182972.3(IRF2BP2):c.346C>T (p.Arg116Cys)

Genes: IRF2BP2 (interferon regulatory factor 2 binding protein 2; minus strand), LOC129932812 (ATAC-STARR-seq lymphoblastoid silent region 1977; plus strand). Cytogenetic location: 1q42.3.
Variant type: single nucleotide variant.
Coding change: c.346C>T on transcript NM_182972.3 (MANE Select); coding-DNA position 346, C replaced by T.
Protein change: p.Arg116Cys; replaces arginine 116 with cysteine.
Molecular consequence: missense variant.
Genome position (GRCh38, 1-based): chr1:234,609,149, G>A on the plus strand (C>T on the coding strand, the complement: IRF2BP2 is on the minus strand). VCF-style: chr1-234609149-G-A. GRCh37 (hg19) VCF-style: chr1-234744895-G-A.
Other names: c.346C>T, p.Arg116Cys (NM_001077397.1); short protein forms R116C.
Identifiers: ClinVar variation 2153383 (VCV002153383.4), dbSNP rs1214621282, ClinGen allele CA345311004.
Genomic context (GRCh38, chr1:234,609,149, plus strand): 5'-TGCTGCCGAAGTCAGAGCCGAGGCGCGGGGGCCTCTCGGCCGCGGCCGCCAACGGGTAGC[G>A]CTCCAAGGCCTGCGGCGCGCGCGGGGCCGCCTCGGGGCCGCCGTGGCCAAGCTGCTGCTG-3'
Protein context (NP_892017.2, residues 106-126): AAPRAPQALE[Arg116Cys]YPLAAAAERP

ClinVar aggregate classification (germline): Uncertain significance (1 of 4 stars; one submission).

Allele frequency attached by ClinVar (database versions not stated): gnomAD exomes 0.00001; TOPMed 0.00002; gnomAD 0.00003.
gnomAD v4.1: 7 of 1,246,680 alleles (0.00056%); highest among the groups gnomAD compares: South Asian, 0.0031%; no homozygotes.

Submission:

Labcorp Genetics (formerly Invitae), Labcorp
Classification: Uncertain significance. Last evaluated: 2025-11-17. Review status: criteria provided, single submitter. Criteria: Invitae Variant Classification Sherloc (09022015). Collection method: clinical testing. Allele origin: germline.
Comment: This sequence change replaces arginine, which is basic and polar, with cysteine, which is neutral and slightly polar, at codon 116 of the IRF2BP2 protein (p.Arg116Cys). This variant is not present in population databases (gnomAD no frequency). This variant has not been reported in the literature in individuals affected with IRF2BP2-related conditions. ClinVar contains an entry for this variant (Variation ID: 2153383). An algorithm developed to predict the effect of missense changes on protein structure and function (PolyPhen-2) suggests that this variant is likely to be disruptive. In summary, the available evidence is currently insufficient to determine the role of this variant in disease. Therefore, it has been classified as a Variant of Uncertain Significance.